The following is an entry in ClinVar:

ClinVar aggregate classification (germline): Uncertain significance (1 of 4 stars; one submission).

Conditions:
Zellweger spectrum disorders (ZS). Also called: Zellweger Spectrum Disorder (ZSD); Zellweger syndrome; Zellweger Spectrum Disorder; Zellweger Spectrum. Identifiers: Orphanet 912, MedGen C0043459, MONDO:0019609.

gnomAD v4.1: 1 of 1,614,168 alleles (0.000062%); highest among the groups gnomAD compares: Non-Finnish European, 0.000085%; no homozygotes.

Submission:

Labcorp Genetics (formerly Invitae), Labcorp
Classification: Uncertain significance for Zellweger spectrum disorders. Last evaluated: 2023-08-04. Review status: criteria provided, single submitter. Criteria: Invitae Variant Classification Sherloc (09022015). Collection method: clinical testing. Allele origin: germline.
Comment: In summary, the available evidence is currently insufficient to determine the role of this variant in disease. Therefore, it has been classified as a Variant of Uncertain Significance. Advanced modeling of protein sequence and biophysical properties (such as structural, functional, and spatial information, amino acid conservation, physicochemical variation, residue mobility, and thermodynamic stability) performed at Invitae indicates that this missense variant is not expected to disrupt PEX1 protein function. ClinVar contains an entry for this variant (Variation ID: 2127621). This variant has not been reported in the literature in individuals affected with PEX1-related conditions. This variant is not present in population databases (gnomAD no frequency). This sequence change replaces glutamine, which is neutral and polar, with histidine, which is basic and polar, at codon 1195 of the PEX1 protein (p.Gln1195His).

NM_000466.3(PEX1):c.3585A>T (p.Gln1195His)

Genes: PEX1 (peroxisomal biogenesis factor 1; minus strand), GATAD1 (GATA zinc finger domain containing 1; plus strand). Cytogenetic location: 7q21.2.
Variant type: single nucleotide variant.
Coding change: c.3585A>T on transcript NM_000466.3 (MANE Select); coding-DNA position 3585, A replaced by T.
Protein change: p.Gln1195His; replaces glutamine 1195 with histidine.
Molecular consequence: missense variant.
Genome position (GRCh38, 1-based): chr7:92,489,765, T>A on the plus strand (A>T on the coding strand, the complement: PEX1 is on the minus strand). VCF-style: chr7-92489765-T-A. GRCh37 (hg19) VCF-style: chr7-92119079-T-A.
Other names: c.3414A>T, p.Gln1138His (NM_001282677.2); c.2961A>T, p.Gln987His (NM_001282678.2); short protein forms Q987H, Q1138H, Q1195H.
Identifiers: ClinVar variation 2127621 (VCV002127621.4), dbSNP rs371622709, ClinGen allele CA368161204.